The following is an entry in ClinVar:

NM_207037.2(TCF12):c.2027A>G (p.Glu676Gly)

Gene: TCF12 (transcription factor 12; plus strand). Cytogenetic location: 15q21.3.
Variant type: single nucleotide variant.
Coding change: c.2027A>G on transcript NM_207037.2 (MANE Select); coding-DNA position 2027, A replaced by G.
Protein change: p.Glu676Gly; replaces glutamic acid 676 with glycine.
Molecular consequence: missense variant.
Genome position (GRCh38, 1-based): chr15:57,282,493, A>G. VCF-style: chr15-57282493-A-G. GRCh37 (hg19) VCF-style: chr15-57574691-A-G.
Other names: c.1517A>G, p.Glu506Gly (NM_001306219.3); c.1247A>G, p.Glu416Gly (NM_001306220.3); c.2027A>G, p.Glu676Gly (NM_001322151.2, NM_001322159.3, NM_001322162.2 and 1 more transcripts); c.2024A>G, p.Glu675Gly (NM_001322152.2, NM_001322161.2); c.1370A>G, p.Glu457Gly (NM_001322154.2); c.1853A>G, p.Glu618Gly (NM_001322156.2); c.1955A>G, p.Glu652Gly (NM_001322157.3, NM_001322165.2, NM_003205.4 and 1 more transcripts); c.1781A>G, p.Glu594Gly (NM_001322158.2); and 2 more; short protein forms E416G, E676G, E482G, E457G, E506G, E594G, E618G, E652G.
Identifiers: ClinVar variation 4754913 (VCV004754913.1).

ClinVar aggregate classification (germline): Uncertain significance (1 of 4 stars; one submission).

gnomAD v4.1: 127 of 1,614,142 alleles (0.0079%); highest among the groups gnomAD compares: Non-Finnish European, 0.01%; no homozygotes.

Submission:

Labcorp Genetics (formerly Invitae), Labcorp
Classification: Uncertain significance. Last evaluated: 2025-10-24. Review status: criteria provided, single submitter. Criteria: Invitae Variant Classification Sherloc (09022015). Collection method: clinical testing. Allele origin: germline.
Comment: This sequence change replaces glutamic acid, which is acidic and polar, with glycine, which is neutral and non-polar, at codon 676 of the TCF12 protein (p.Glu676Gly). This variant is present in population databases (rs763220761, gnomAD 0.009%). This missense change has been observed in individual(s) with a neurodevelopmental disorder (PMID: 33004838). Invitae Evidence Modeling of protein sequence and biophysical properties (such as structural, functional, and spatial information, amino acid conservation, physicochemical variation, residue mobility, and thermodynamic stability) indicates that this missense variant is expected to disrupt TCF12 protein function with a positive predictive value of 80%. In summary, the available evidence is currently insufficient to determine the role of this variant in disease. Therefore, it has been classified as a Variant of Uncertain Significance.

Literature cited by the submitters: PubMed 33004838.